The following is an entry in ClinVar:

ClinVar aggregate classification (germline): Uncertain significance (1 of 4 stars; one submission).

Conditions:
Congenital myasthenic syndrome 8. Also called: MYASTHENIC SYNDROME, CONGENITAL, DUE TO AGRIN DEFICIENCY; Myasthenic syndrome, congenital, 8, with pre- and postsynaptic defects. Identifiers: Orphanet 590, MedGen C3808739, MONDO:0014052, OMIM 615120.

Allele frequency attached by ClinVar (database versions not stated): ESP Exome Variant Server 0.00008; 1000 Genomes Project 30x 0.00016.
gnomAD v4.1: 14 of 1,612,318 alleles (0.00087%); highest among the groups gnomAD compares: East Asian, 0.0067%; no homozygotes.

Submission:

Labcorp Genetics (formerly Invitae), Labcorp
Classification: Uncertain significance for Congenital myasthenic syndrome 8. Last evaluated: 2022-06-19. Review status: criteria provided, single submitter. Criteria: Invitae Variant Classification Sherloc (09022015). Collection method: clinical testing. Allele origin: germline.
Comment: This sequence change replaces arginine, which is basic and polar, with leucine, which is neutral and non-polar, at codon 1703 of the AGRN protein (p.Arg1703Leu). This variant is present in population databases (rs371946683, gnomAD 0.02%). This variant has not been reported in the literature in individuals affected with AGRN-related conditions. Algorithms developed to predict the effect of missense changes on protein structure and function are either unavailable or do not agree on the potential impact of this missense change (SIFT: "Deleterious"; PolyPhen-2: "Probably Damaging"; Align-GVGD: "Class C0"). In summary, the available evidence is currently insufficient to determine the role of this variant in disease. Therefore, it has been classified as a Variant of Uncertain Significance.

NM_198576.4(AGRN):c.5108G>T (p.Arg1703Leu)

Gene: AGRN (agrin; plus strand). Cytogenetic location: 1p36.33.
Variant type: single nucleotide variant.
Coding change: c.5108G>T on transcript NM_198576.4 (MANE Select); coding-DNA position 5108, G replaced by T.
Protein change: p.Arg1703Leu; replaces arginine 1703 with leucine.
Molecular consequence: missense variant.
Genome position (GRCh38, 1-based): chr1:1,050,558, G>T. VCF-style: chr1-1050558-G-T. GRCh37 (hg19) VCF-style: chr1-985938-G-T.
Other names: c.5108G>T, p.Arg1703Leu (NM_001305275.2); c.4793G>T, p.Arg1598Leu (NM_001364727.2); short protein forms R1703L, R1598L.
Identifiers: ClinVar variation 2053403 (VCV002053403.1), dbSNP rs371946683, ClinGen allele CA509856.
Genomic context (GRCh38, chr1:1,050,558, plus strand): 5'-AGACGGACGGCAAGGGGGACTTCGTGTCGCTGGCACTGCGGGACCGCCGCCTGGAGTTCC[G>T]CTACGACCTGGGCAAGGGGGCAGCGGTCATCAGGTGGGCCGGCAAGGGTGGCTCTGGGAG-3'
Protein context (NP_940978.2, residues 1693-1713): LALRDRRLEF[Arg1703Leu]YDLGKGAAVI